The following is an entry in ClinVar:

ClinVar aggregate classification (germline): Benign. Review status: criteria provided, multiple submitters, no conflicts (2 of 4 stars). 3 submissions from 3 submitters: Benign (2). 1 of the submissions does not count toward it. Last evaluated 2018-05-09.

Conditions:
ADGRE2-related disorder. Also called: ADGRE2-related condition.

Allele frequency attached by ClinVar (database versions not stated): gnomAD exomes 0.00029 and 0.00081; ExAC 0.00092; 1000 Genomes Project 0.00260; gnomAD 0.00297 and 0.00327; 1000 Genomes Project 30x 0.00328; TOPMed 0.00362; ESP Exome Variant Server 0.00377.
gnomAD v4.1: 887 of 1,614,088 alleles (0.055%); highest among the groups gnomAD compares: African/African-American, 1.1%; 4 homozygotes.

Submissions (3):

Labcorp Genetics (formerly Invitae), Labcorp
Classification: Benign. Last evaluated: 2018-05-09. Review status: criteria provided, single submitter. Criteria: Invitae Variant Classification Sherloc (09022015). Collection method: clinical testing. Allele origin: germline.

Breakthrough Genomics
Classification: Benign. Review status: criteria provided, single submitter. Criteria: ACMG Guidelines, 2015. Collection method: not provided. Allele origin: germline. Inheritance: Autosomal dominant inheritance. Affected: yes.

PreventionGenetics, part of Exact Sciences
Classification: Benign for ADGRE2-related condition. Last evaluated: 2019-06-04. Review status: no assertion criteria provided. Collection method: clinical testing. Allele origin: germline. Not counted in ClinVar's aggregate classification.
Comment: This variant is classified as benign based on ACMG/AMP sequence variant interpretation guidelines (Richards et al. 2015 PMID: 25741868, with internal and published modifications).

NM_013447.4(ADGRE2):c.564G>C (p.Gln188His)

Gene: ADGRE2 (adhesion G protein-coupled receptor E2; minus strand). Cytogenetic location: 19p13.12.
Variant type: single nucleotide variant.
Coding change: c.564G>C on transcript NM_013447.4 (MANE Select); coding-DNA position 564, G replaced by C.
Protein change: p.Gln188His; replaces glutamine 188 with histidine.
Molecular consequence: missense variant.
Genome position (GRCh38, 1-based): chr19:14,766,305, C>G on the plus strand (G>C on the coding strand, the complement: ADGRE2 is on the minus strand). VCF-style: chr19-14766305-C-G. GRCh37 (hg19) VCF-style: chr19-14877117-C-G.
Other names: c.564G>C, p.Gln188His (NM_001271052.1); short protein forms Q188H.
Identifiers: ClinVar variation 712244 (VCV000712244.6), dbSNP rs61732010, ClinGen allele CA9258086.
Genomic context (GRCh38, chr19:14,766,305, plus strand): 5'-GGTATTGTTTGGGCCATTGGGGGACCCCGGAATCGGTTGCCAGCCCGGGCGGCAGCGGCA[C>G]TGATAGCTGCCCACGTTGTTGAGGCAGTGGGTGGAGCTGTGGCATGGGTTTTGTCCGGAG-3'
Protein context (NP_038475.2, residues 178-198): THCLNNVGSY[Gln188His]CRCRPGWQPI